The following is an entry in ClinVar:

NC_012920.1(MT-TY):m.5877C>T

Gene: MT-TY (mitochondrially encoded tRNA tyrosine; minus strand).
Variant type: single nucleotide variant.
Genome position: chrM-5877-C-T.
Other names: 5877G-A.
Identifiers: ClinVar variation 9552 (VCV000009552.2), dbSNP rs118203893, ClinGen allele CA254830.
Genomic context (GRCh38, chrMT:5,877, plus strand): 5'-CCTCGGAGCTGGTAAAAAGAGGCCTAACCCCTGTCTTTAGATTTACAGTCCAATGCTTCA[C>T]TCAGCCATTTTACCTCACCCCCACTGATGTTCGCCGACCGTTGACTATTCTCTACAAACC-3'

ClinVar aggregate classification (germline): Uncertain significance. Review status: reviewed by expert panel (3 of 4 stars). 2 submissions from 2 submitters: Uncertain significance (1). 1 of the submissions does not count toward it. Last evaluated 2024-06-24.

Conditions:
Mitochondrial disease. Also called: Mitochondrial disorders; Mitochondrial disorder. Identifiers: Orphanet 68380, MedGen C0751651, MeSH D028361, MONDO:0044970.
Kearns-Sayre syndrome. Also called: Chronic progressive external ophthalmoplegia with myopathy, somatic; OCULOCRANIOSOMATIC SYNDROME; OPHTHALMOPLEGIA, PIGMENTARY DEGENERATION OF RETINA, AND CARDIOMYOPATHY; CHRONIC PROGRESSIVE EXTERNAL OPHTHALMOPLEGIA WITH MYOPATHY; CPEO WITH MYOPATHY; Kearns-Sayre Syndrome (KSS). Identifiers: Orphanet 480, MedGen C0022541, MONDO:0010787, OMIM 530000.

Submissions (2):

ClinGen Mitochondrial Disease Nuclear and Mitochondrial  Variant Curation Expert Panel, ClinGen
Classification: Uncertain significance for Mitochondrial disease. Last evaluated: 2024-06-24. Review status: reviewed by expert panel. Criteria: clingen mito disease acmg specifications v1-1. Collection method: curation. Allele origin: germline. Inheritance: Mitochondrial inheritance.
Comment: The m.5877C>T variant in MT-TY has been reported in one individual with primary mitochondrial disease (PMID: 11594340). Muscle biopsy showed ragged red fibers and COX-negative fibers. The variant was present at 73% heteroplasmy in muscle and 0.7% in blood. This variant is absent in the GenBank dataset, Helix dataset, and gnomAD v3.1.2 (PM2_supporting). The computational predictors are discordant as MitoTIP suggests this variant is benign (24.8 percentile) and HmtVAR predicts it to be pathogenic (0.65). Cybrid studies support the functional impact of this variant as decreased viability and oxygen consumption were associated with higher heteroplasmy levels (PS3_supporting; PMID: 11594340). In summary, this variant meets criteria to be classified as uncertain significance for primary mitochondrial disease inherited in a mitochondrial manner. This classification was approved by the NICHD/NINDS U24 ClinGen Mitochondrial Disease Variant Curation Expert Panel on June 24, 2024. Mitochondrial DNA-specific ACMG/AMP criteria applied (PMID: 32906214): PS3_supporting, PM2_supporting.

OMIM
Classification: Pathogenic for CHRONIC PROGRESSIVE EXTERNAL OPHTHALMOPLEGIA WITH MYOPATHY, SOMATIC. Last evaluated: 2001-10-01. Review status: no assertion criteria provided. Collection method: literature only. Allele origin: somatic. Not counted in ClinVar's aggregate classification.

Literature cited by the submitters: PubMed 11594340 (cited by OMIM).